The following is an entry in ClinVar:

NM_000939.4(POMC):c.618G>A (p.Glu206=)

Gene: POMC (proopiomelanocortin; minus strand). Cytogenetic location: 2p23.3.
Variant type: single nucleotide variant.
Coding change: c.618G>A on transcript NM_000939.4 (MANE Select); coding-DNA position 618, G replaced by A.
Protein change: p.Glu206=; no amino-acid change (glutamic acid 206 retained).
Molecular consequence: synonymous variant.
Genome position (GRCh38, 1-based): chr2:25,161,267, C>T on the plus strand (G>A on the coding strand, the complement: POMC is on the minus strand). VCF-style: chr2-25161267-C-T. GRCh37 (hg19) VCF-style: chr2-25384136-C-T.
Other names: c.618G>A, p.Glu206= (NM_001035256.3, NM_001319204.2, NM_001319205.2); c.618G>A (NM_000939.3).
Identifiers: ClinVar variation 746351 (VCV000746351.5), dbSNP rs139540760, ClinGen allele CA1555257.

ClinVar aggregate classification (germline): Likely benign. Review status: criteria provided, multiple submitters, no conflicts (2 of 4 stars). 3 submissions from 3 submitters: Likely benign (3). Last evaluated 2026-07-29.

Conditions:
POMC-related disorder. Also called: POMC-related disorders; POMC-related condition.

Allele frequency attached by ClinVar (database versions not stated): gnomAD exomes 0.00003 and 0.00009; TOPMed 0.00001; ExAC 0.00002; ESP Exome Variant Server 0.00015.
gnomAD v4.1: 123 of 1,612,000 alleles (0.0076%); highest among the groups gnomAD compares: Non-Finnish European, 0.01%; no homozygotes.

Submissions (3):

PreventionGenetics, part of Exact Sciences
Classification: Likely benign for POMC-related condition. Last evaluated: 2026-07-29. Review status: criteria provided, single submitter. Criteria: ACMG Guidelines, 2015. Collection method: clinical testing. Allele origin: germline.
Comment: This variant is classified as likely benign based on ACMG/AMP sequence variant interpretation guidelines (Richards et al. 2015 PMID: 25741868, with internal and published modifications).

Blueprint Genetics
Classification: Likely benign. Last evaluated: 2024-07-19. Review status: criteria provided, single submitter. Criteria: ACMG Guidelines, 2015. Collection method: clinical testing. Allele origin: germline.

Labcorp Genetics (formerly Invitae), Labcorp
Classification: Likely benign. Last evaluated: 2018-01-31. Review status: criteria provided, single submitter. Criteria: Invitae Variant Classification Sherloc (09022015). Collection method: clinical testing. Allele origin: germline.